The following is an entry in ClinVar:

NM_000535.7(PMS2):c.2292G>C (p.Arg764Ser)

Gene: PMS2 (PMS1 homolog 2, mismatch repair system component; minus strand). Cytogenetic location: 7p22.1.
Variant type: single nucleotide variant.
Coding change: c.2292G>C on transcript NM_000535.7 (MANE Select); coding-DNA position 2292, G replaced by C.
Protein change: p.Arg764Ser; replaces arginine 764 with serine.
Molecular consequence: missense variant.
Genome position (GRCh38, 1-based): chr7:5,977,741, C>G on the plus strand (G>C on the coding strand, the complement: PMS2 is on the minus strand). VCF-style: chr7-5977741-C-G. GRCh37 (hg19) VCF-style: chr7-6017372-C-G.
Other names: c.1887G>C, p.Arg629Ser (NM_001406899.1, NM_001018040.1, NM_001322003.2 and 12 more transcripts); c.1827G>C, p.Arg609Ser (NM_001406900.1); c.1818G>C, p.Arg606Ser (NM_001406901.1, NM_001406902.1); c.1806G>C, p.Arg602Ser (NM_001406903.1); c.1779G>C, p.Arg593Ser (NM_001406904.1, NM_001406905.1); c.1731G>C, p.Arg577Ser (NM_001406906.1, NM_001406907.1, NM_001322010.2); c.1719G>C, p.Arg573Ser (NM_001406908.1, NM_001406909.1, NM_001322013.2); c.1521G>C, p.Arg507Ser (NM_001406911.1); and 18 more; short protein forms R453S, R573S, R658S, R669S, R708S, R764S, R593S, R609S.
Identifiers: ClinVar variation 1789132 (VCV001789132.3), dbSNP rs2128675697, ClinGen allele CA366736123.
Genomic context (GRCh38, chr7:5,977,741, plus strand): 5'-ATCGACGTCCTGGGGTCCGAAGGTCCAGTTTTTACTAGTTGGCAAGGAAATCAGTTTAGC[C>G]CTTTCAGTGACTGGAGCTAAAAGAATACAATTTTGAGAAAAATCCATGACTTGACAAACA-3'
Protein context (NP_000526.2, residues 754-774): VIDENAPVTE[Arg764Ser]AKLISLPTSK

ClinVar aggregate classification (germline): Uncertain significance. Review status: criteria provided, multiple submitters, no conflicts (2 of 4 stars). 2 submissions from 2 submitters: Uncertain significance (2). Last evaluated 2025-06-09.

Conditions:
Hereditary cancer-predisposing syndrome. Also called: Hereditary Cancer Syndrome; Hereditary neoplastic syndrome; Tumor predisposition; Neoplastic Syndromes, Hereditary. Identifiers: Orphanet 140162, MedGen C0027672, MeSH D009386, MONDO:0015356.

Submissions (2):

Color Diagnostics, LLC DBA Color Health
Classification: Uncertain significance for Hereditary cancer-predisposing syndrome. Last evaluated: 2025-06-09. Review status: criteria provided, single submitter. Criteria: ACMG Guidelines, 2015. Collection method: clinical testing. Allele origin: germline.
Comment: This missense variant replaces arginine with serine at codon 764 of the PMS2 protein. Computational prediction is inconclusive regarding the impact of this variant on protein structure and function. To our knowledge, functional studies have not been reported for this variant. This variant has not been reported in individuals affected with PMS2-related disorders in the literature. This variant has not been identified in the general population by the Genome Aggregation Database (gnomAD). The available evidence is insufficient to determine the role of this variant in disease conclusively. Therefore, this variant is classified as a Variant of Uncertain Significance.

Ambry Genetics
Classification: Uncertain significance for Hereditary cancer-predisposing syndrome. Last evaluated: 2022-05-18. Review status: criteria provided, single submitter. Criteria: Ambry Variant Classification Scheme 2023. Collection method: clinical testing. Allele origin: germline.
Comment: The p.R764S variant (also known as c.2292G>C), located in coding exon 14 of the PMS2 gene, results from a G to C substitution at nucleotide position 2292. The arginine at codon 764 is replaced by serine, an amino acid with dissimilar properties. This amino acid position is conserved. In addition, the in silico prediction for this alteration is inconclusive. Since supporting evidence is limited at this time, the clinical significance of this alteration remains unclear.